The following is an entry in ClinVar:

NM_001267550.2(TTN):c.10045A>G (p.Thr3349Ala)

Gene: TTN (titin; minus strand). Cytogenetic location: 2q31.2.
Variant type: single nucleotide variant.
Coding change: c.10045A>G on transcript NM_001267550.2 (MANE Select); coding-DNA position 10045, A replaced by G.
Protein change: p.Thr3349Ala; replaces threonine 3349 with alanine.
Molecular consequence: missense variant.
Genome position (GRCh38, 1-based): chr2:178,764,246, T>C on the plus strand (A>G on the coding strand, the complement: TTN is on the minus strand). VCF-style: chr2-178764246-T-C. GRCh37 (hg19) VCF-style: chr2-179628973-T-C.
Other names: c.10045A>G, p.Thr3349Ala (NM_001256850.1, NM_133379.5, NM_133378.4); c.9907A>G, p.Thr3303Ala (NM_003319.4, NM_133432.3, NM_133437.4); short protein forms T3349A, T3303A.
Identifiers: ClinVar variation 229383 (VCV000229383.8), dbSNP rs777960129, ClinGen allele CA2004196.
Genomic context (GRCh38, chr2:178,764,246, plus strand): 5'-AAACCCGGCATTGAAAACGGGCTGGCTGCCCTTCAGAAGTGACAGTGTCCTGAAGCGGGG[T>C]GATGATGGCAGGTGGATAAACAGGCATTTCCTGATCAGGAGACACAACTTCTGGAACTAA-3'
Protein context (NP_001254479.2, residues 3339-3359): EMPVYPPAII[Thr3349Ala]PLQDTVTSEG

ClinVar aggregate classification (germline): Uncertain significance. Review status: criteria provided, multiple submitters, no conflicts (2 of 4 stars). 3 submissions from 3 submitters: Uncertain significance (3). Last evaluated 2023-12-19.

Conditions:
Cardiovascular phenotype. Identifiers: MedGen CN230736.

Allele frequency attached by ClinVar (database versions not stated): gnomAD exomes below 0.00001 and 0.00001; TOPMed 0.00001; ExAC 0.00001.
gnomAD v4.1: 11 of 1,613,788 alleles (0.00068%); highest among the groups gnomAD compares: Non-Finnish European, 0.00085%; no homozygotes.

Submissions (3):

Revvity Omics, Revvity
Classification: Uncertain significance. Last evaluated: 2023-12-19. Review status: criteria provided, single submitter. Criteria: ACMG Guidelines, 2015. Collection method: clinical testing. Allele origin: germline.

Ambry Genetics
Classification: Uncertain significance for Cardiovascular phenotype. Last evaluated: 2020-08-18. Review status: criteria provided, single submitter. Criteria: Ambry Variant Classification Scheme 2023. Collection method: clinical testing. Allele origin: germline.
Comment: The p.T3303A variant (also known as c.9907A>G), located in coding exon 41 of the TTN gene, results from an A to G substitution at nucleotide position 9907. The threonine at codon 3303 is replaced by alanine, an amino acid with similar properties. This amino acid position is not well conserved in available vertebrate species, and alanine is the reference amino acid in other vertebrate species. In addition, this alteration is predicted to be tolerated by in silico analysis. Since supporting evidence is limited at this time, the clinical significance of this alteration remains unclear.

Laboratory for Molecular Medicine, Mass General Brigham Personalized Medicine
Classification: Uncertain significance. Last evaluated: 2015-04-02. Review status: criteria provided, single submitter. Criteria: LMM Criteria. Collection method: clinical testing. Allele origin: germline. Observed: 1 variant allele.
Comment: Variant classified as Uncertain Significance - Favor Benign. The p.Thr3349Ala va riant in TTN has not been previously reported in individuals with cardiomyopathy , but has been identified in 1/66698 European chromosomes by the Exome Aggregati on Consortium (ExAC). Threonine (Thr) at positio n 3349 is not conserved in mammals or evolutionarily distant species and 2 mamma ls (squirrel and aardvark) carry an alanine (Ala) at this position, raising the possibility that this change may be tolerated. Additional computational predicti on tools also suggest that this variant may not impact the protein, though this information is not predictive enough to rule out pathogenicity. In summary, whil e the clinical significance of the p.Thr3349Ala variant is uncertain, these data suggest that it is more likely to be benign.